The following is an entry in ClinVar:

ClinVar aggregate classification (germline): Conflicting classifications of pathogenicity. Review status: criteria provided, conflicting classifications (1 of 4 stars). 3 submissions from 3 submitters: Uncertain significance (2); Likely benign (1). Last evaluated 2024-01-02.

Conditions:
Hereditary nonpolyposis colorectal neoplasms. Identifiers: MedGen C0009405, MeSH D003123.
Hereditary cancer-predisposing syndrome. Also called: Neoplastic Syndromes, Hereditary; Tumor predisposition; Hereditary Cancer Syndrome; Hereditary neoplastic syndrome. Identifiers: Orphanet 140162, MedGen C0027672, MeSH D009386, MONDO:0015356.

Allele frequency attached by ClinVar (database versions not stated): TOPMed below 0.00001; gnomAD exomes 0.00001 and 0.00002; gnomAD 0.00002.
gnomAD v4.1: 8 of 1,613,876 alleles (0.0005%); highest among the groups gnomAD compares: Admixed American, 0.012%; no homozygotes.

Submissions (3):

Ambry Genetics
Classification: Likely benign for Hereditary cancer-predisposing syndrome. Last evaluated: 2024-01-02. Review status: criteria provided, single submitter. Criteria: Ambry Variant Classification Scheme 2023. Collection method: clinical testing. Allele origin: germline.

Color Diagnostics, LLC DBA Color Health
Classification: Uncertain significance for Hereditary cancer-predisposing syndrome. Last evaluated: 2023-12-05. Review status: criteria provided, single submitter. Criteria: ACMG Guidelines, 2015. Collection method: clinical testing. Allele origin: germline.
Comment: This missense variant replaces valine with alanine at codon 533 of the PMS2 protein. Computational prediction suggests that this variant may not impact protein structure and function (internally defined REVEL score threshold <= 0.5, PMID: 27666373). To our knowledge, functional studies have not been reported for this variant. This variant has not been reported in individuals affected with PMS2-related disorders in the literature. This variant has been identified in 5/250886 chromosomes in the general population by the Genome Aggregation Database (gnomAD). The available evidence is insufficient to determine the role of this variant in disease conclusively. Therefore, this variant is classified as a Variant of Uncertain Significance.

Labcorp Genetics (formerly Invitae), Labcorp
Classification: Uncertain significance for Hereditary nonpolyposis colorectal neoplasms. Last evaluated: 2022-03-02. Review status: criteria provided, single submitter. Criteria: Invitae Variant Classification Sherloc (09022015). Collection method: clinical testing. Allele origin: germline.
Comment: In summary, the available evidence is currently insufficient to determine the role of this variant in disease. Therefore, it has been classified as a Variant of Uncertain Significance. Advanced modeling of protein sequence and biophysical properties (such as structural, functional, and spatial information, amino acid conservation, physicochemical variation, residue mobility, and thermodynamic stability) performed at Invitae indicates that this missense variant is not expected to disrupt PMS2 protein function. ClinVar contains an entry for this variant (Variation ID: 484255). This variant has not been reported in the literature in individuals affected with PMS2-related conditions. This variant is present in population databases (no rsID available, gnomAD 0.009%). This sequence change replaces valine, which is neutral and non-polar, with alanine, which is neutral and non-polar, at codon 533 of the PMS2 protein (p.Val533Ala).

NM_000535.7(PMS2):c.1598T>C (p.Val533Ala)

Gene: PMS2 (PMS1 homolog 2, mismatch repair system component; minus strand). Cytogenetic location: 7p22.1.
Variant type: single nucleotide variant.
Coding change: c.1598T>C on transcript NM_000535.7 (MANE Select); coding-DNA position 1598, T replaced by C.
Protein change: p.Val533Ala; replaces valine 533 with alanine.
Molecular consequence: missense variant. On other transcripts: non-coding transcript variant (1).
Genome position (GRCh38, 1-based): chr7:5,987,167, A>G on the plus strand (T>C on the coding strand, the complement: PMS2 is on the minus strand). VCF-style: chr7-5987167-A-G. GRCh37 (hg19) VCF-style: chr7-6026798-A-G.
Other names: c.1193T>C, p.Val398Ala (NM_001322003.2, NM_001322004.2, NM_001322005.2 and 1 more transcripts); c.1442T>C, p.Val481Ala (NM_001322006.2); c.1280T>C, p.Val427Ala (NM_001322007.2, NM_001322008.2); c.1037T>C, p.Val346Ala (NM_001322010.2); c.665T>C, p.Val222Ala (NM_001322011.2, NM_001322012.2); c.1025T>C, p.Val342Ala (NM_001322013.2); c.1598T>C, p.Val533Ala (NM_001322014.2); c.1289T>C, p.Val430Ala (NM_001322015.2); short protein forms V533A, V398A, V481A, V222A, V342A, V346A, V427A, V430A.
Identifiers: ClinVar variation 484255 (VCV000484255.16), dbSNP rs1365849986, ClinGen allele CA366741512.